The following is an entry in ClinVar:

NM_007198.4(PLPBP):c.504A>G (p.Ile168Met)

Gene: PLPBP (pyridoxal phosphate binding protein; plus strand). Cytogenetic location: 8p11.23.
Variant type: single nucleotide variant.
Coding change: c.504A>G on transcript NM_007198.4 (MANE Select); coding-DNA position 504, A replaced by G.
Protein change: p.Ile168Met; replaces isoleucine 168 with methionine.
Molecular consequence: missense variant.
Genome position (GRCh38, 1-based): chr8:37,775,388, A>G. VCF-style: chr8-37775388-A-G. GRCh37 (hg19) VCF-style: chr8-37632906-A-G.
Other names: c.534A>G, p.Ile178Met (NM_001349346.2); c.498A>G, p.Ile166Met (NM_001349347.2); c.348A>G, p.Ile116Met (NM_001349348.2); c.504A>G (NM_007198.3); short protein forms I178M, I116M, I166M, I168M.
Identifiers: ClinVar variation 1907565 (VCV001907565.3), dbSNP rs772978614, ClinGen allele CA4711258.
Genomic context (GRCh38, chr8:37,775,388, plus strand): 5'-TTTTCTTGAAGGTAAACATGGCCTTCCACCTTCAGAGACCATAGCCATCGTGGAGCACAT[A>G]AACGCCAAGTGTCCTAACCTGGAGTTTGTGGGGCTGATGACCATAGGAAGCTTTGGGCAT-3'
Protein context (NP_009129.1, residues 158-178): PSETIAIVEH[Ile168Met]NAKCPNLEFV

ClinVar aggregate classification (germline): Uncertain significance. Review status: criteria provided, multiple submitters, no conflicts (2 of 4 stars). 2 submissions from 2 submitters: Uncertain significance (2). Last evaluated 2024-11-14.

Conditions:
Inborn genetic diseases. Identifiers: MedGen C0950123, MeSH D030342.

Allele frequency attached by ClinVar (database versions not stated): ExAC 0.00001; gnomAD exomes 0.00001; TOPMed 0.00001.
gnomAD v4.1: 4 of 1,614,228 alleles (0.00025%); highest among the groups gnomAD compares: Admixed American, 0.0067%; no homozygotes.

Submissions (2):

Ambry Genetics
Classification: Uncertain significance for Inborn genetic diseases. Last evaluated: 2024-11-14. Review status: criteria provided, single submitter. Criteria: Ambry Variant Classification Scheme 2023. Collection method: clinical testing. Allele origin: germline.

Labcorp Genetics (formerly Invitae), Labcorp
Classification: Uncertain significance. Last evaluated: 2022-05-22. Review status: criteria provided, single submitter. Criteria: Invitae Variant Classification Sherloc (09022015). Collection method: clinical testing. Allele origin: germline.
Comment: This sequence change replaces isoleucine, which is neutral and non-polar, with methionine, which is neutral and non-polar, at codon 168 of the PROSC protein (p.Ile168Met). This variant is present in population databases (rs772978614, gnomAD 0.01%). This variant has not been reported in the literature in individuals affected with PROSC-related conditions. Algorithms developed to predict the effect of missense changes on protein structure and function are either unavailable or do not agree on the potential impact of this missense change (SIFT: "Deleterious"; PolyPhen-2: "Possibly Damaging"; Align-GVGD: "Class C0"). In summary, the available evidence is currently insufficient to determine the role of this variant in disease. Therefore, it has been classified as a Variant of Uncertain Significance.